The following is an entry in ClinVar:

ClinVar aggregate classification (germline): Uncertain significance (1 of 4 stars; one submission).

Allele frequency attached by ClinVar (database versions not stated): ExAC 0.00001.
gnomAD v4.1: 9 of 1,613,774 alleles (0.00056%); highest among the groups gnomAD compares: East Asian, 0.0045%; no homozygotes.

Submission:

Labcorp Genetics (formerly Invitae), Labcorp
Classification: Uncertain significance. Last evaluated: 2024-02-23. Review status: criteria provided, single submitter. Criteria: Invitae Variant Classification Sherloc (09022015). Collection method: clinical testing. Allele origin: germline.
Comment: This sequence change falls in intron 12 of the LSS gene. It does not directly change the encoded amino acid sequence of the LSS protein. It affects a nucleotide within the consensus splice site. This variant is present in population databases (rs772425985, gnomAD 0.006%). This variant has not been reported in the literature in individuals affected with LSS-related conditions. ClinVar contains an entry for this variant (Variation ID: 1941727). Variants that disrupt the consensus splice site are a relatively common cause of aberrant splicing (PMID: 17576681, 9536098). Algorithms developed to predict the effect of sequence changes on RNA splicing suggest that this variant is not likely to affect RNA splicing. In summary, the available evidence is currently insufficient to determine the role of this variant in disease. Therefore, it has been classified as a Variant of Uncertain Significance.

Literature cited by the submitters: PubMed 17576681; PubMed 9536098.

NM_002340.6(LSS):c.1194+4C>T

Gene: LSS (lanosterol synthase; minus strand). Cytogenetic location: 21q22.3.
Variant type: single nucleotide variant.
Coding change: c.1194+4C>T on transcript NM_002340.6 (MANE Select); 4 bases into the intron after coding-DNA position 1194, C replaced by T.
Molecular consequence: intron variant.
Genome position (GRCh38, 1-based): chr21:46,210,684, G>A on the plus strand (C>T on the coding strand, the complement: LSS is on the minus strand). VCF-style: chr21-46210684-G-A. GRCh37 (hg19) VCF-style: chr21-47630598-G-A.
Other names: c.1161+4C>T (NM_001145436.2); c.1194+4C>T (NM_001001438.3); c.954+4C>T (NM_001145437.2).
Identifiers: ClinVar variation 1941727 (VCV001941727.5), dbSNP rs772425985, ClinGen allele CA10075118.